The following is an entry in ClinVar:

NM_153460.4(IL17RC):c.2045A>C (p.Glu682Ala)

Genes: IL17RC (interleukin 17 receptor C; plus strand), LOC129936144 (ATAC-STARR-seq lymphoblastoid silent region 14051; plus strand). Cytogenetic location: 3p25.3.
Variant type: single nucleotide variant.
Coding change: c.2045A>C on transcript NM_153460.4 (MANE Select); coding-DNA position 2045, A replaced by C.
Protein change: p.Glu682Ala; replaces glutamic acid 682 with alanine.
Molecular consequence: missense variant. On other transcripts: non-coding transcript variant (1).
Genome position (GRCh38, 1-based): chr3:9,933,475, A>C. VCF-style: chr3-9933475-A-C. GRCh37 (hg19) VCF-style: chr3-9975159-A-C.
Other names: c.2006A>C, p.Glu669Ala (NM_001203263.2); c.1955A>C, p.Glu652Ala (NM_001203264.2); c.1949A>C, p.Glu650Ala (NM_001203265.2); c.1967A>C, p.Glu656Ala (NM_001367278.1); c.1886A>C, p.Glu629Ala (NM_001367279.1); c.1961A>C, p.Glu654Ala (NM_001367280.1); c.2000A>C, p.Glu667Ala (NM_032732.6); c.2258A>C, p.Glu753Ala (NM_153461.4); short protein forms E629A, E650A, E656A, E682A, E753A, E667A, E669A, E652A.
Identifiers: ClinVar variation 845196 (VCV000845196.7), dbSNP rs988221789, ClinGen allele CA69999170.

ClinVar aggregate classification (germline): Uncertain significance (1 of 4 stars; one submission).

Conditions:
Candidiasis, familial, 9 (CANDF9). Identifiers: Orphanet 1334, MedGen C4225324, MONDO:0014642, OMIM 616445.

Allele frequency attached by ClinVar (database versions not stated): gnomAD exomes below 0.00001.
gnomAD v4.1: 1 of 1,612,558 alleles (0.000062%); highest among the groups gnomAD compares: African/African-American, 0.0013%; no homozygotes.

Submission:

Labcorp Genetics (formerly Invitae), Labcorp
Classification: Uncertain significance for Candidiasis, familial, 9. Last evaluated: 2022-08-23. Review status: criteria provided, single submitter. Criteria: Invitae Variant Classification Sherloc (09022015). Collection method: clinical testing. Allele origin: germline.
Comment: ClinVar contains an entry for this variant (Variation ID: 845196). In summary, the available evidence is currently insufficient to determine the role of this variant in disease. Therefore, it has been classified as a Variant of Uncertain Significance. Algorithms developed to predict the effect of missense changes on protein structure and function (SIFT, PolyPhen-2, Align-GVGD) all suggest that this variant is likely to be tolerated. This variant has not been reported in the literature in individuals affected with IL17RC-related conditions. This variant is not present in population databases (gnomAD no frequency). This sequence change replaces glutamic acid, which is acidic and polar, with alanine, which is neutral and non-polar, at codon 753 of the IL17RC protein (p.Glu753Ala).